The following is an entry in ClinVar:

ClinVar aggregate classification (germline): Pathogenic (1 of 4 stars; one submission).

Submission:

Labcorp Genetics (formerly Invitae), Labcorp
Classification: Pathogenic. Last evaluated: 2024-11-25. Review status: criteria provided, single submitter. Criteria: Invitae Variant Classification Sherloc (09022015). Collection method: clinical testing. Allele origin: germline.
Comment: This sequence change creates a premature translational stop signal (p.Tyr82*) in the NFKB1 gene. It is expected to result in an absent or disrupted protein product. Loss-of-function variants in NFKB1 are known to be pathogenic (PMID: 26279205, 29477724). This variant is not present in population databases (gnomAD no frequency). This variant has not been reported in the literature in individuals affected with NFKB1-related conditions. ClinVar contains an entry for this variant (Variation ID: 2087301). For these reasons, this variant has been classified as Pathogenic.

Literature cited by the submitters: PubMed 26279205; PubMed 29477724.

NM_003998.4(NFKB1):c.246C>A (p.Tyr82Ter)

Gene: NFKB1 (nuclear factor kappa B subunit 1; plus strand). Cytogenetic location: 4q24.
Variant type: single nucleotide variant.
Coding change: c.246C>A on transcript NM_003998.4 (MANE Select); coding-DNA position 246, C replaced by A.
Protein change: p.Tyr82Ter; replaces tyrosine 82 with a stop codon.
Molecular consequence: nonsense.
Genome position (GRCh38, 1-based): chr4:102,537,944, C>A. VCF-style: chr4-102537944-C-A. GRCh37 (hg19) VCF-style: chr4-103459101-C-A.
Other names: c.243C>A, p.Tyr81Ter (NM_001165412.2, NM_001319226.2, NM_001382627.1); c.246C>A, p.Tyr82Ter (NM_001382625.1, NM_001382626.1); c.204C>A, p.Tyr68Ter (NM_001382628.1); short protein forms Y68*, Y81*, Y82*.
Identifiers: ClinVar variation 2087301 (VCV002087301.4), dbSNP rs1410266677, ClinGen allele CA357957795.